The following is an entry in ClinVar:

NM_015015.3(KDM4B):c.571G>A (p.Glu191Lys)

Gene: KDM4B (lysine demethylase 4B; plus strand). Cytogenetic location: 19p13.3.
Variant type: single nucleotide variant.
Coding change: c.571G>A on transcript NM_015015.3 (MANE Select); coding-DNA position 571, G replaced by A.
Protein change: p.Glu191Lys; replaces glutamic acid 191 with lysine.
Molecular consequence: missense variant.
Genome position (GRCh38, 1-based): chr19:5,047,614, G>A. VCF-style: chr19-5047614-G-A. GRCh37 (hg19) VCF-style: chr19-5047625-G-A.
Other names: c.571G>A, p.Glu191Lys (NM_001370093.1, NM_001370094.1, NM_001411148.1); short protein forms E191K.
Identifiers: ClinVar variation 3900556 (VCV003900556.1).

ClinVar aggregate classification (germline): Uncertain significance (1 of 4 stars; one submission).

Submission:

GeneDx
Classification: Uncertain significance. Last evaluated: 2024-11-20. Review status: criteria provided, single submitter. Criteria: GeneDx Variant Classification Process June 2021. Collection method: clinical testing. Allele origin: germline. Affected: yes.
Comment: Not observed at significant frequency in large population cohorts (gnomAD); In silico analysis supports that this missense variant has a deleterious effect on protein structure/function; Has not been previously published as pathogenic or benign to our knowledge